The following is an entry in ClinVar:

ClinVar aggregate classification (germline): Uncertain significance (1 of 4 stars; one submission).

Allele frequency attached by ClinVar (database versions not stated): TOPMed 0.00001; gnomAD exomes 0.00002; ExAC 0.00006.

Submission:

Labcorp Genetics (formerly Invitae), Labcorp
Classification: Uncertain significance. Last evaluated: 2022-01-02. Review status: criteria provided, single submitter. Criteria: Invitae Variant Classification Sherloc (09022015). Collection method: clinical testing. Allele origin: germline.
Comment: This variant has not been reported in the literature in individuals affected with GRXCR2-related conditions. This variant is present in population databases (rs747211639, gnomAD 0.03%). This sequence change replaces glutamic acid, which is acidic and polar, with valine, which is neutral and non-polar, at codon 237 of the GRXCR2 protein (p.Glu237Val). Algorithms developed to predict the effect of missense changes on protein structure and function are either unavailable or do not agree on the potential impact of this missense change (SIFT: "Deleterious"; PolyPhen-2: "Probably Damaging"; Align-GVGD: "Class C0"). In summary, the available evidence is currently insufficient to determine the role of this variant in disease. Therefore, it has been classified as a Variant of Uncertain Significance.

NM_001080516.2(GRXCR2):c.710A>T (p.Glu237Val)

Gene: GRXCR2 (glutaredoxin and cysteine rich domain containing 2; minus strand). Cytogenetic location: 5q32.
Variant type: single nucleotide variant.
Coding change: c.710A>T on transcript NM_001080516.2 (MANE Select); coding-DNA position 710, A replaced by T.
Protein change: p.Glu237Val; replaces glutamic acid 237 with valine.
Molecular consequence: missense variant.
Genome position (GRCh38, 1-based): chr5:145,859,770, T>A on the plus strand (A>T on the coding strand, the complement: GRXCR2 is on the minus strand). VCF-style: chr5-145859770-T-A. GRCh37 (hg19) VCF-style: chr5-145239333-T-A.
Other names: short protein forms E237V.
Identifiers: ClinVar variation 1978490 (VCV001978490.4), dbSNP rs747211639, ClinGen allele CA3487921.